The following is an entry in ClinVar:

NM_024675.4(PALB2):c.386C>G (p.Pro129Arg)

Gene: PALB2 (partner and localizer of BRCA2; minus strand). Cytogenetic location: 16p12.2.
Variant type: single nucleotide variant.
Coding change: c.386C>G on transcript NM_024675.4 (MANE Select); coding-DNA position 386, C replaced by G.
Protein change: p.Pro129Arg; replaces proline 129 with arginine.
Molecular consequence: missense variant.
Genome position (GRCh38, 1-based): chr16:23,636,160, G>C on the plus strand (C>G on the coding strand, the complement: PALB2 is on the minus strand). VCF-style: chr16-23636160-G-C. GRCh37 (hg19) VCF-style: chr16-23647481-G-C.
Other names: short protein forms P129R.
Identifiers: ClinVar variation 482020 (VCV000482020.5), dbSNP rs1555461810, ClinGen allele CA395137457.

ClinVar aggregate classification (germline): Uncertain significance (1 of 4 stars; one submission).

Conditions:
Hereditary cancer-predisposing syndrome. Also called: Neoplastic Syndromes, Hereditary; Tumor predisposition; Hereditary Cancer Syndrome; Hereditary neoplastic syndrome. Identifiers: Orphanet 140162, MedGen C0027672, MeSH D009386, MONDO:0015356.

Submission:

Ambry Genetics
Classification: Uncertain significance for Hereditary cancer-predisposing syndrome. Last evaluated: 2016-03-13. Review status: criteria provided, single submitter. Criteria: Ambry Variant Classification Scheme 2023. Collection method: clinical testing. Allele origin: germline.
Comment: The p.P129R variant (also known as c.386C>G), located in coding exon 4 of the PALB2 gene, results from a C to G substitution at nucleotide position 386. The proline at codon 129 is replaced by arginine, an amino acid with dissimilar properties. This variant was not reported in population based cohorts in the following databases: Database of Single Nucleotide Polymorphisms (dbSNP), NHLBI Exome Sequencing Project (ESP), and 1000 Genomes Project. In the ESP, this variant was not observed in 6497 samples (12994 alleles) with coverage at this position. To date, this alteration has been detected with an allele frequency of approximately 0.001% (greater than 130000 alleles tested) in our clinical cohort. This amino acid position is not well conserved in available vertebrate species. In addition, this alteration is predicted to be tolerated by in silico analysis. Since supporting evidence is limited at this time, the clinical significance of this alteration remains unclear.